The following is an entry in ClinVar:

NM_000051.4(ATM):c.5904T>C (p.Asp1968=)

Genes: ATM (ATM serine/threonine kinase; plus strand), C11orf65 (chromosome 11 open reading frame 65; minus strand). Cytogenetic location: 11q22.3.
Variant type: single nucleotide variant.
Coding change: c.5904T>C on transcript NM_000051.4 (MANE Select); coding-DNA position 5904, T replaced by C.
Protein change: p.Asp1968=; no amino-acid change (aspartic acid 1968 retained).
Molecular consequence: synonymous variant. On other transcripts: intron variant (2).
Genome position (GRCh38, 1-based): chr11:108,310,301, T>C. VCF-style: chr11-108310301-T-C. GRCh37 (hg19) VCF-style: chr11-108181028-T-C.
Other names: c.5904T>C, p.Asp1968= (NM_001351834.2); c.641-1230A>G (NM_001330368.2); c.*39-1230A>G (NM_001351110.2).
Identifiers: ClinVar variation 508524 (VCV000508524.4), dbSNP rs1555110549, ClinGen allele CA476675513.

ClinVar aggregate classification (germline): Benign/Likely benign. Review status: criteria provided, multiple submitters, no conflicts (2 of 4 stars). 2 submissions from 2 submitters: Benign (1); Likely benign (1). Last evaluated 2024-05-28.

Conditions:
Familial cancer of breast. Also called: BREAST CANCER, FAMILIAL; Hereditary breast cancer; hereditary breast carcinoma. Identifiers: Orphanet 227535, MedGen C0346153, MONDO:0016419, OMIM 114480. Disease mechanism: loss of function.

Submissions (2):

Myriad Genetics, Inc.
Classification: Benign for Familial cancer of breast. Last evaluated: 2024-05-28. Review status: criteria provided, single submitter. Criteria: Myriad Autosomal Dominant, Autosomal Recessive and X-Linked Classification Criteria (2023). Collection method: clinical testing. Allele origin: unknown.
Comment: This variant is considered benign. This variant is a silent/synonymous amino acid change and it is not expected to impact splicing.

GeneDx
Classification: Likely benign. Last evaluated: 2017-03-30. Review status: criteria provided, single submitter. Criteria: GeneDx Variant Classification (06012015). Collection method: clinical testing. Allele origin: germline. Affected: yes.
Comment: This variant is considered likely benign or benign based on one or more of the following criteria: it is a conservative change, it occurs at a poorly conserved position in the protein, it is predicted to be benign by multiple in silico algorithms, and/or has population frequency not consistent with disease.